The following is an entry in ClinVar:

ClinVar aggregate classification (germline): Likely benign (0 of 4 stars; one submission).

Conditions:
SETD1A-related disorder. Also called: SETD1A-related condition.

Allele frequency attached by ClinVar (database versions not stated): gnomAD exomes 0.00008; ExAC 0.00029; ESP Exome Variant Server 0.00056; gnomAD 0.00084; 1000 Genomes Project 30x 0.00094; 1000 Genomes Project 0.00100.

Submission:

PreventionGenetics, part of Exact Sciences
Classification: Likely benign for SETD1A-related condition. Last evaluated: 2019-04-05. Review status: no assertion criteria provided. Collection method: clinical testing. Allele origin: germline.
Comment: This variant is classified as likely benign based on ACMG/AMP sequence variant interpretation guidelines (Richards et al. 2015 PMID: 25741868, with internal and published modifications).

NM_014712.3(SETD1A):c.3440C>T (p.Pro1147Leu)

Gene: SETD1A (SET domain containing 1A, histone lysine methyltransferase; plus strand). Cytogenetic location: 16p11.2.
Variant type: single nucleotide variant.
Coding change: c.3440C>T on transcript NM_014712.3 (MANE Select); coding-DNA position 3440, C replaced by T.
Protein change: p.Pro1147Leu; replaces proline 1147 with leucine.
Molecular consequence: missense variant.
Genome position (GRCh38, 1-based): chr16:30,979,226, C>T. VCF-style: chr16-30979226-C-T. GRCh37 (hg19) VCF-style: chr16-30990547-C-T.
Other names: short protein forms P1147L.
Identifiers: ClinVar variation 3033649 (VCV003033649.2), dbSNP rs201473743, ClinGen allele CA8017283.